The following is an entry in ClinVar:

ClinVar aggregate classification (germline): Uncertain significance (1 of 4 stars; one submission).

Conditions:
Dyskeratosis congenita. Identifiers: Orphanet 1775, MedGen C0265965, MONDO:0015780.

Submission:

Ambry Genetics
Classification: Uncertain significance for Dyskeratosis congenita. Last evaluated: 2022-12-07. Review status: criteria provided, single submitter. Criteria: Ambry Variant Classification Scheme 2023. Collection method: clinical testing. Allele origin: germline.
Comment: The p.P316L variant (also known as c.947C>T), located in coding exon 2 of the TERT gene, results from a C to T substitution at nucleotide position 947. The proline at codon 316 is replaced by leucine, an amino acid with similar properties. This amino acid position is conserved. In addition, the in silico prediction for this alteration is inconclusive. Since supporting evidence is limited at this time, the clinical significance of this alteration remains unclear.

NM_198253.3(TERT):c.947C>T (p.Pro316Leu)

Gene: TERT (telomerase reverse transcriptase; minus strand). Cytogenetic location: 5p15.33.
Variant type: single nucleotide variant.
Coding change: c.947C>T on transcript NM_198253.3 (MANE Select); coding-DNA position 947, C replaced by T.
Protein change: p.Pro316Leu; replaces proline 316 with leucine.
Molecular consequence: missense variant. On other transcripts: non-coding transcript variant (2).
Genome position (GRCh38, 1-based): chr5:1,293,939, G>A on the plus strand (C>T on the coding strand, the complement: TERT is on the minus strand). VCF-style: chr5-1293939-G-A. GRCh37 (hg19) VCF-style: chr5-1294054-G-A.
Other names: c.947C>T, p.Pro316Leu (NM_001193376.3, NM_003219.1); short protein forms P316L.
Identifiers: ClinVar variation 2454068 (VCV002454068.2), dbSNP rs2478417232, ClinGen allele CA359056100.
Genomic context (GRCh38, chr5:1,293,939, plus strand): 5'-CCTGAGGAGTAGAGGAAGTGCTTGGTCTCGGCGTACACCGGGGGACAAGGCGTGTCCCAG[G>A]GACGTGGTGGCCGCGATGTGGATGGGGGGCCCGCGTGGTGCTGGCGGCCCACGGATGGGT-3'
Protein context (NP_937983.2, residues 306-326): GPPSTSRPPR[Pro316Leu]WDTPCPPVYA